The following is an entry in ClinVar:

NM_001379270.1(CNGA1):c.1528C>T (p.Arg510Ter)

Genes: CNGA1 (cyclic nucleotide gated channel subunit alpha 1; minus strand), LOC101927157 (uncharacterized LOC101927157; plus strand). Cytogenetic location: 4p12.
Variant type: single nucleotide variant.
Coding change: c.1528C>T on transcript NM_001379270.1 (MANE Select); coding-DNA position 1528, C replaced by T.
Protein change: p.Arg510Ter; replaces arginine 510 with a stop codon.
Molecular consequence: nonsense.
Genome position (GRCh38, 1-based): chr4:47,936,954, G>A on the plus strand (C>T on the coding strand, the complement: CNGA1 is on the minus strand). VCF-style: chr4-47936954-G-A. GRCh37 (hg19) VCF-style: chr4-47938971-G-A.
Other names: c.1540C>T (NM_000087.4); c.1528C>T, p.Arg510Ter (NM_000087.5, NM_001142564.2); short protein forms R583*, R510*.
Identifiers: ClinVar variation 236443 (VCV000236443.18), dbSNP rs199584830, ClinGen allele CA2911061.
Genomic context (GRCh38, chr4:47,936,954, plus strand): 5'-GAGTGACTCCATCATCTGCCACCACAGCGAGTTTGCCTTCCTTGATAATGTACATCTCTC[G>A]TCCGATATCCCCTTTCTTGCAAATATAATCTCCAGGACTGTAGACTTGGGGTTGCAATTT-3'

ClinVar aggregate classification (germline): Pathogenic/Likely pathogenic. Review status: criteria provided, multiple submitters, no conflicts (2 of 4 stars). 10 submissions from 10 submitters: Pathogenic (5); Likely pathogenic (1). 4 of the submissions do not count toward it. Last evaluated 2026-06-17.

Conditions:
CNGA1-related disorder. Also called: CNGA1-related condition.
Retinal dystrophy. Also called: Inherited retinal dystrophy. Identifiers: Orphanet 71862, MedGen C0854723, MeSH D058499, MONDO:0019118, HP:0000556.
Retinitis pigmentosa (RP). Identifiers: Orphanet 791, MedGen C0035334, MeSH D012174, MONDO:0019200, OMIM 268000. Inheritance: Autosomal dominant, autosomal recessive and X linked inheritance.
Retinitis pigmentosa 49 (RP49). Identifiers: Orphanet 791, MedGen C3151059, MONDO:0013405, OMIM 613756.

Allele frequency attached by ClinVar (database versions not stated): TOPMed 0.00004; ExAC 0.00005; gnomAD 0.00005; gnomAD exomes 0.00005; ESP Exome Variant Server 0.00016.
gnomAD v4.1: 132 of 1,613,692 alleles (0.0082%); highest among the groups gnomAD compares: Non-Finnish European, 0.01%; no homozygotes.

Submissions (10):

PreventionGenetics, part of Exact Sciences
Classification: Pathogenic for CNGA1-related condition. Last evaluated: 2026-06-17. Review status: criteria provided, single submitter. Criteria: ACMG Guidelines, 2015. Collection method: clinical testing. Allele origin: germline.
Comment: The CNGA1 c.1540C>T variant is predicted to result in premature protein termination (p.Arg514*). This variant has been reported along with a second CNGA1 variant in multiple individuals with retinitis pigmentosa (for example, Beryozkin et al. 2015. PubMed ID: 26306921; reported as c.1528C>T p.(Arg510Ter) in Table S1, Lin et al. 2024. PubMed ID: 38219857; reported as c.1528C>T p.(Arg510Ter) in Table S4, Panneman et al. 2023. PubMed ID: 36819107). Nonsense variants in CNGA1 are an established mechanism of disease. This variant is interpreted as pathogenic.

Labcorp Genetics (formerly Invitae), Labcorp
Classification: Pathogenic. Last evaluated: 2026-01-05. Review status: criteria provided, single submitter. Criteria: Invitae Variant Classification Sherloc (09022015). Collection method: clinical testing. Allele origin: germline.
Comment: This sequence change creates a premature translational stop signal (p.Arg514*) in the CNGA1 gene. While this is not anticipated to result in nonsense mediated decay, it is expected to disrupt the last 177 amino acid(s) of the CNGA1 protein. This variant is present in population databases (rs199584830, gnomAD 0.008%). This premature translational stop signal has been observed in individual(s) with autosomal recessive retinitis pigmentosa (PMID: 30337596). In at least one individual the data is consistent with being in trans (on the opposite chromosome) from a pathogenic variant. It has also been observed to segregate with disease in related individuals. ClinVar contains an entry for this variant (Variation ID: 236443). This variant disrupts the C-terminus of the CNGA1 protein. Other variant(s) that disrupt this region (p.Arg560*, p.Arg629*, p.Arg658Aspfs*2) have been observed in individuals with CNGA1-related conditions (PMID: 7479749, 24154662, 25611614). This suggests that this may be a clinically significant region of the protein. For these reasons, this variant has been classified as Pathogenic.

Fulgent Genetics
Classification: Pathogenic for Retinitis pigmentosa 49. Last evaluated: 2024-06-12. Review status: criteria provided, single submitter. Criteria: ACMG Guidelines, 2015. Collection method: clinical testing. Allele origin: germline.

GeneDx
Classification: Likely pathogenic. Last evaluated: 2023-09-13. Review status: criteria provided, single submitter. Criteria: GeneDx Variant Classification Process June 2021. Collection method: clinical testing. Allele origin: germline. Affected: yes.
Comment: Nonsense variant in the C-terminus predicted to result in protein truncation, as the last 177 amino acids are lost, and other loss-of-function variants have been reported downstream in the Human Gene Mutation Database (HGMD); This variant is associated with the following publications: (PMID: 32581362, 26306921, 30337596, 33576794, 31456290, 26582918, 36819107, 32037395, 33749171, 24077912)

Blueprint Genetics
Classification: Pathogenic for CNGA1-related disorders. Last evaluated: 2022-09-30. Review status: criteria provided, single submitter. Criteria: ACMG Guidelines, 2015. Collection method: clinical testing. Allele origin: germline. Affected: yes. Observed: 5 variant alleles.

Ocular Genomics Institute, Massachusetts Eye and Ear
Classification: Pathogenic for Retinitis pigmentosa 49. Last evaluated: 2021-04-08. Review status: criteria provided, single submitter. Criteria: ACMG Guidelines, 2015. Collection method: research. Allele origin: germline. Affected: yes.
Comment: Through a review of available evidence we were able to apply the following criteria: PVS1, PM2, PM3, PP1, PP5. Based on this evidence we have classified this variant as Pathogenic.

Sharon lab, Hadassah-Hebrew University Medical Center
Classification: Pathogenic for Retinitis pigmentosa. Last evaluated: 2019-06-23. Review status: no assertion criteria provided. Collection method: research. Allele origin: inherited. Affected: yes. Not counted in ClinVar's aggregate classification.

Institute of Human Genetics, Univ. Regensburg, Univ. Regensburg
Classification: Pathogenic for Retinal dystrophy. Last evaluated: 2018-01-01. Review status: no assertion criteria provided. Criteria: ACMG Guidelines, 2015. Collection method: clinical testing. Allele origin: germline. Affected: yes. Not counted in ClinVar's aggregate classification.

NIHR Bioresource Rare Diseases, University of Cambridge
Classification: Pathogenic for Retinitis pigmentosa. Last evaluated: 2015-01-01. Review status: no assertion criteria provided. Collection method: research. Allele origin: unknown. Affected: yes. Observed: 1 variant allele. Not counted in ClinVar's aggregate classification.

Centre for Genomic Medicine, Manchester, Central Manchester University Hospitals
Classification: Likely pathogenic for Retinal dystrophy. Review status: no assertion criteria provided. Collection method: clinical testing. Allele origin: germline. Affected: yes. Not counted in ClinVar's aggregate classification.

Literature cited by the submitters: PubMed 30337596 (cited by Labcorp Genetics (formerly Invitae), Labcorp and Ocular Genomics Institute, Massachusetts Eye and Ear); PubMed 7479749 (cited by Labcorp Genetics (formerly Invitae), Labcorp); PubMed 24154662 (cited by Labcorp Genetics (formerly Invitae), Labcorp); PubMed 25611614 (cited by Labcorp Genetics (formerly Invitae), Labcorp); PubMed 26306921 (cited by Ocular Genomics Institute, Massachusetts Eye and Ear and NIHR Bioresource Rare Diseases, University of Cambridge); PubMed 28041643 (cited by NIHR Bioresource Rare Diseases, University of Cambridge).